The following is an entry in ClinVar:

NM_005633.4(SOS1):c.849_852del (p.Phe283fs)

Gene: SOS1 (SOS Ras/Rac guanine nucleotide exchange factor 1; minus strand). Cytogenetic location: 2p22.1.
Variant type: Deletion.
Coding change: c.849_852del on transcript NM_005633.4 (MANE Select); coding-DNA positions 849 to 852, 4 bases deleted (TGAA; older notation c.849_852delTGAA).
Protein change: p.Phe283fs; shifts the reading frame from phenylalanine 283.
Molecular consequence: frameshift variant.
Genome position (GRCh38, 1-based): chr2:39,051,156-39,051,159, TTCA deleted on the plus strand (TGAA on the coding strand, the reverse complement: SOS1 is on the minus strand). VCF-style (leftmost placement, unchanged base first): chr2-39051155-CTTCA-C. GRCh37 (hg19) VCF-style: chr2-39278296-CTTCA-C.
Other names: c.828_831del, p.Phe276fs (NM_001382394.1); c.849_852del, p.Phe283fs (NM_001382395.1); short protein forms F276fs, F283fs.
Identifiers: ClinVar variation 1763579 (VCV001763579.2), dbSNP rs2529154668, ClinGen allele CA2580066432.

ClinVar aggregate classification (germline): Uncertain significance (1 of 4 stars; one submission).

Conditions:
Cardiovascular phenotype. Identifiers: MedGen CN230736.

Submission:

Ambry Genetics
Classification: Uncertain significance for Cardiovascular phenotype. Last evaluated: 2021-08-19. Review status: criteria provided, single submitter. Criteria: Ambry Variant Classification Scheme 2023. Collection method: clinical testing. Allele origin: germline.
Comment: The c.849_852delTGAA variant, located in coding exon 6 of the SOS1 gene, results from a deletion of 4 nucleotides at nucleotide positions 849 to 852, causing a translational frameshift with a predicted alternate stop codon (p.F283Lfs*3). This alteration is expected to result in premature protein truncation or nonsense-mediated mRNA decay. However, loss of function of SOS1 has not been clearly established as a mechanism of disease. Since supporting evidence is limited at this time, the clinical significance of this alteration remains unclear.